The following is an entry in ClinVar:

NC_000004.11:g.3076606GCA[27_35]

Gene: HTT (huntingtin; plus strand). Cytogenetic location: 4p16.3.
Variant type: Microsatellite.
Identifiers: ClinVar variation 812592 (VCV000812592.2).

ClinVar aggregate classification (germline): other (4 of 4 stars; one submission).

Conditions:
Huntington disease (HD). Also called: HUNTINGTON CHOREA; Huntington's chorea; Huntington's disease. Identifiers: Orphanet 248111, Orphanet 399, MedGen C0020179, MONDO:0007739, OMIM 143100.

Submission:

American College of Medical Genetics and Genomics  (ACMG)
Classification: other for Huntington disease. Last evaluated: 2014-07-31. Review status: practice guideline. Criteria: ACMG Guidelines for Huntington disease, 2014. Collection method: curation. Allele origin: germline. Inheritance: Autosomal dominant inheritance. Affected: no.
Comment: These alleles have yet to be convincingly associated with an HD phenotype, but they can be meiotically unstable in sperm, and pathologic expansion of paternally derived alleles in this size range has been described. There have been no reports of maternally transmitted alleles in this range producing offspring with affected alleles. The likelihood that transmission of an allele in this range will expand into an HD allele is dependent on several factors, including the sex of the transmitting individual, the size of the allele, the molecular configuration of the region surrounding the CAG repeat, and its haplotype.